The following is an entry in ClinVar:

ClinVar aggregate classification (germline): Benign (0 of 4 stars; one submission).

Conditions:
PTPRS-related disorder. Also called: PTPRS-related condition.

Allele frequency attached by ClinVar (database versions not stated): ExAC 0.02748; ESP Exome Variant Server 0.03538; gnomAD 0.04216; 1000 Genomes Project 0.04513; TOPMed 0.04797; 1000 Genomes Project 30x 0.04825.
gnomAD v4.1: 11,297 of 1,449,074 alleles (0.78%); highest among the groups gnomAD compares: African/African-American, 15%; 748 homozygotes.

Submission:

PreventionGenetics, part of Exact Sciences
Classification: Benign for PTPRS-related condition. Last evaluated: 2019-12-05. Review status: no assertion criteria provided. Collection method: clinical testing. Allele origin: germline.
Comment: This variant is classified as benign based on ACMG/AMP sequence variant interpretation guidelines (Richards et al. 2015 PMID: 25741868, with internal and published modifications).

NM_002850.4(PTPRS):c.2495-8C>T

Gene: PTPRS (protein tyrosine phosphatase receptor type S; minus strand). Cytogenetic location: 19p13.3.
Variant type: single nucleotide variant.
Coding change: c.2495-8C>T on transcript NM_002850.4 (MANE Select); 8 bases into the intron before coding-DNA position 2495, C replaced by T.
Molecular consequence: intron variant.
Genome position (GRCh38, 1-based): chr19:5,223,305, G>A on the plus strand (C>T on the coding strand, the complement: PTPRS is on the minus strand). VCF-style: chr19-5223305-G-A. GRCh37 (hg19) VCF-style: chr19-5223316-G-A.
Other names: c.1811-1085C>T (NM_130853.3); c.2429-8C>T (NM_001394013.1, NM_130854.3, NM_001394011.1); c.2456-8C>T (NM_001394012.1); c.1823-1085C>T (NM_130855.3).
Identifiers: ClinVar variation 3037679 (VCV003037679.2), dbSNP rs74618932, ClinGen allele CA9109927.